The following is an entry in ClinVar:

ClinVar aggregate classification (germline): Uncertain significance (1 of 4 stars; one submission).

Conditions:
Familial hypokalemia-hypomagnesemia (GTLMNS). Also called: HYPOMAGNESEMIA-HYPOKALEMIA, PRIMARY RENOTUBULAR, WITH HYPOCALCIURIA; POTASSIUM AND MAGNESIUM DEPLETION; gitelman syndrome. Identifiers: Orphanet 358, MedGen C0268450, MONDO:0009904, OMIM 263800.

Submission:

Juno Genomics, Hangzhou Juno Genomics, Inc
Classification: Uncertain significance for Familial hypokalemia-hypomagnesemia. Review status: criteria provided, single submitter. Criteria: ACMG Guidelines, 2015. Collection method: clinical testing. Allele origin: germline. Affected: yes.
Comment: Absent from controls (or at extremely low frequency if recessive) in Genome Aggregation Database, Exome Sequencing Project, 1000 Genomes Project, or Exome Aggregation Consortium.;Patient's phenotype or family history is highly specific for a disease with a single genetic etiology.

NM_001126108.2(SLC12A3):c.1932G>C (p.Gln644His)

Gene: SLC12A3 (solute carrier family 12 member 3; plus strand). Cytogenetic location: 16q13.
Variant type: single nucleotide variant.
Coding change: c.1932G>C on transcript NM_001126108.2 (MANE Select); coding-DNA position 1932, G replaced by C.
Protein change: p.Gln644His; replaces glutamine 644 with histidine.
Molecular consequence: missense variant.
Genome position (GRCh38, 1-based): chr16:56,886,370, G>C. VCF-style: chr16-56886370-G-C. GRCh37 (hg19) VCF-style: chr16-56920282-G-C.
Other names: c.1932G>C, p.Gln644His (NM_000339.3); c.1929G>C, p.Gln643His (NM_001126107.2, NM_001410896.1); short protein forms Q643H, Q644H.
Identifiers: ClinVar variation 3382255 (VCV003382255.2).